The following is an entry in ClinVar:

ClinVar aggregate classification (germline): Uncertain significance (3 of 4 stars; one submission).

Conditions:
Glanzmann thrombasthenia. Also called: PLATELET GLYCOPROTEIN IIb-IIIa DEFICIENCY; BLEEDING DISORDER, PLATELET-TYPE, 2; THROMBASTHENIA OF GLANZMANN AND NAEGELI; Thrombasthenia; Glanzmann's thrombasthenia. Identifiers: Orphanet 849, MedGen C0040015, MONDO:0100326.

Allele frequency attached by ClinVar (database versions not stated): gnomAD exomes below 0.00001; gnomAD 0.00001; TOPMed 0.00001.
gnomAD v4.1: 4 of 1,610,860 alleles (0.00025%); highest among the groups gnomAD compares: African/African-American, 0.0013%; no homozygotes.

Submission:

ClinGen Platelet Disorders Variant Curation Expert Panel, ClinGen
Classification: Uncertain significance for Glanzmann thrombasthenia. Last evaluated: 2025-04-15. Review status: reviewed by expert panel. Criteria: ClinGen Platelet ACMG Specifications v2-1. Collection method: curation. Allele origin: germline. Inheritance: Autosomal recessive inheritance.
Comment: The NM_000419.5(ITGA2B):c.2540T>C (p.Leu847Pro) missense variant has been reported homozygous in at least one type I GT patient (FC in PMID: 11798398; PM3_supporting). The highest population minor allele frequency in gnomAD v4.1 is 0.00001335 (1/74900 alleles) in the African/African-American genetic ancestry group, which is lower than the ClinGen PD VCEP threshold (<0.0001; PM2_Supporting). In summary, this variant meets the criteria to be classified as uncertain significance for autosomal recessive Glanzmann Thrombasthenia based on the ACMG/AMP criteria applied, as specified by the ClinGen PD VCEP: PM2_supporting, PM3_supporting.

NM_000419.5(ITGA2B):c.2540T>C (p.Leu847Pro)

Gene: ITGA2B (integrin subunit alpha 2b; minus strand). Cytogenetic location: 17q21.31.
Variant type: single nucleotide variant.
Coding change: c.2540T>C on transcript NM_000419.5 (MANE Select); coding-DNA position 2540, T replaced by C.
Protein change: p.Leu847Pro; replaces leucine 847 with proline.
Molecular consequence: missense variant.
Genome position (GRCh38, 1-based): chr17:44,375,894, A>G on the plus strand (T>C on the coding strand, the complement: ITGA2B is on the minus strand). VCF-style: chr17-44375894-A-G. GRCh37 (hg19) VCF-style: chr17-42453262-A-G.
Other names: NM_000419.5:c.2540T>C; short protein forms L847P.
Identifiers: ClinVar variation 1879012 (VCV001879012.2), dbSNP rs1344532070, ClinGen allele CA399794666.
Genomic context (GRCh38, chr17:44,375,894, plus strand): 5'-TTGAGAGGGTTGACAGGAGGCTGTGGGAAGCACTGAAGGCCCCCCTGGGGCTGTATATCC[A>G]GGATGTAGAGCAGGTCGGAGGGCTGGGACTGTCCCGGAAGGTGGATGCTGAGGTGAAGAC-3'
Protein context (NP_000410.2, residues 837-857): QSQPSDLLYI[Leu847Pro]DIQPQGGLQC